The following is an entry in ClinVar:

ClinVar aggregate classification (germline): Pathogenic (1 of 4 stars; one submission).

Conditions:
Polycystic kidney disease 4 (PKD4). Also called: POLYCYSTIC KIDNEY AND HEPATIC DISEASE 1; POLYCYSTIC KIDNEY DISEASE, INFANTILE, TYPE I; POLYCYSTIC KIDNEY DISEASE 4 WITH OR WITHOUT POLYCYSTIC LIVER DISEASE; PKD3; Autosomal Recessive Polycystic Kidney Disease – PKHD1. Identifiers: MedGen C4540575, MONDO:0033004, OMIM 263200.

Submission:

Myriad Genetics, Inc.
Classification: Pathogenic for Polycystic kidney disease 4. Last evaluated: 2023-09-27. Review status: criteria provided, single submitter. Criteria: Myriad Autosomal Dominant, Autosomal Recessive and X-Linked Classification Criteria (2023). Collection method: clinical testing. Allele origin: unknown.
Comment: NM_138694.3(PKHD1):c.8518dupC(R2840Pfs*8) is expected to be pathogenic in the context of autosomal recessive polycystic kidney disease, PKHD1-related. This variant is predicted to lead to an abnormal or absent protein product due to the creation of a premature termination codon in PKHD1, a gene where loss-of-function variants are known to be pathogenic. Please note: this variant was assessed in the context of healthy population screening.

NM_138694.4(PKHD1):c.8518dup (p.Arg2840fs)

Gene: PKHD1 (PKHD1 ciliary IPT domain containing fibrocystin/polyductin; minus strand). Cytogenetic location: 6p12.3.
Variant type: Duplication.
Coding change: c.8518dup on transcript NM_138694.4 (MANE Select); coding-DNA position 8518, one base duplicated (C; older notation c.8518dupC).
Protein change: p.Arg2840fs; shifts the reading frame from arginine 2840.
Molecular consequence: frameshift variant.
Genome position (GRCh38, 1-based): chr6:51,775,844, G duplicated on the plus strand (C on the coding strand, the reverse complement: PKHD1 is on the minus strand); the first of 2 consecutive G bases (chr6:51,775,844-51,775,845); duplicating either gives the same sequence. VCF-style (leftmost placement, unchanged base first): chr6-51775843-C-CG. GRCh37 (hg19) VCF-style: chr6-51640641-C-CG.
Other names: c.8518dup, p.Arg2840fs (NM_170724.3); short protein forms R2840fs.
Identifiers: ClinVar variation 5012024 (VCV005012024.1).